The following is an entry in ClinVar:

ClinVar aggregate classification (germline): Uncertain significance (1 of 4 stars; one submission).

Conditions:
Intellectual developmental disorder, autosomal dominant 38. Also called: PSYCHOMOTOR RETARDATION, EPILEPSY, AND LANGUAGE DISABILITY SYNDROME; Intellectual disability, autosomal dominant 38. Identifiers: MedGen C4225343, MONDO:0014617, OMIM 616393.
Developmental and epileptic encephalopathy, 33 (DEE33). Also called: Epileptic encephalopathy, early infantile, 33. Identifiers: Orphanet 442835, MedGen C4225337, MONDO:0014625, OMIM 616409.

Submission:

Juno Genomics, Hangzhou Juno Genomics, Inc
Classification: Uncertain significance for Developmental and epileptic encephalopathy, 33; Intellectual developmental disorder, autosomal dominant 38. Review status: criteria provided, single submitter. Criteria: ACMG Guidelines, 2015. Collection method: clinical testing. Allele origin: germline.
Comment: Absent from controls (or at extremely low frequency if recessive) in Genome Aggregation Database.;Missense variant in a gene that has a low rate of benign missense variation.

NM_001958.5(EEF1A2):c.1274C>T (p.Ala425Val)

Gene: EEF1A2 (eukaryotic translation elongation factor 1 alpha 2; minus strand). Cytogenetic location: 20q13.33.
Variant type: single nucleotide variant.
Coding change: c.1274C>T on transcript NM_001958.5 (MANE Select); coding-DNA position 1274, C replaced by T.
Protein change: p.Ala425Val; replaces alanine 425 with valine.
Molecular consequence: missense variant.
Genome position (GRCh38, 1-based): chr20:63,488,416, G>A on the plus strand (C>T on the coding strand, the complement: EEF1A2 is on the minus strand). VCF-style: chr20-63488416-G-A. GRCh37 (hg19) VCF-style: chr20-62119769-G-A.
Other names: short protein forms A425V.
Identifiers: ClinVar variation 5019229 (VCV005019229.2).